The following is an entry in ClinVar:

ClinVar aggregate classification (germline): Uncertain significance (1 of 4 stars; one submission).

Conditions:
Familial adenomatous polyposis 1 (FAP1). Also called: FAMILIAL ADENOMATOUS POLYPOSIS 1, ATTENUATED; POLYPOSIS, ADENOMATOUS INTESTINAL. Identifiers: MedGen C2713442, MONDO:0021056, OMIM 175100. Disease mechanism: loss of function.

gnomAD v4.1: 1 of 1,614,100 alleles (0.000062%); highest among the groups gnomAD compares: Non-Finnish European, 0.000085%; no homozygotes.

Submission:

Labcorp Genetics (formerly Invitae), Labcorp
Classification: Uncertain significance for Familial adenomatous polyposis 1. Last evaluated: 2021-01-19. Review status: criteria provided, single submitter. Criteria: Invitae Variant Classification Sherloc (09022015). Collection method: clinical testing. Allele origin: germline.
Comment: This sequence change replaces valine with phenylalanine at codon 617 of the APC protein (p.Val617Phe). The valine residue is highly conserved and there is a small physicochemical difference between valine and phenylalanine. This variant is not present in population databases (ExAC no frequency). This variant has not been reported in the literature in individuals with APC-related disease. Algorithms developed to predict the effect of missense changes on protein structure and function are either unavailable or do not agree on the potential impact of this missense change (SIFT: "Deleterious"; PolyPhen-2: "Probably Damaging"; Align-GVGD: "Class C0"). In summary, the available evidence is currently insufficient to determine the role of this variant in disease. Therefore, it has been classified as a Variant of Uncertain Significance.

NM_000038.6(APC):c.1849G>T (p.Val617Phe)

Gene: APC (APC regulator of Wnt signaling pathway; plus strand). Cytogenetic location: 5q22.2.
Variant type: single nucleotide variant.
Coding change: c.1849G>T on transcript NM_000038.6 (MANE Select); coding-DNA position 1849, G replaced by T.
Protein change: p.Val617Phe; replaces valine 617 with phenylalanine.
Molecular consequence: missense variant.
Genome position (GRCh38, 1-based): chr5:112,835,056, G>T. VCF-style: chr5-112835056-G-T. GRCh37 (hg19) VCF-style: chr5-112170753-G-T.
Other names: c.1849G>T, p.Val617Phe (NM_001127510.3, NM_001354895.2); c.1795G>T, p.Val599Phe (NM_001127511.3); c.1903G>T, p.Val635Phe (NM_001354896.2); c.1879G>T, p.Val627Phe (NM_001354897.2); c.1774G>T, p.Val592Phe (NM_001354898.2); c.1765G>T, p.Val589Phe (NM_001354899.2); c.1726G>T, p.Val576Phe (NM_001354900.2); c.1672G>T, p.Val558Phe (NM_001354901.2); and 5 more; short protein forms V558F, V576F, V627F, V491F, V526F, V599F, V334F, V516F.
Identifiers: ClinVar variation 647310 (VCV000647310.10), dbSNP rs1580604055, ClinGen allele CA16025368.